The following is an entry in ClinVar:

ClinVar aggregate classification (germline): Likely benign (0 of 4 stars; one submission).

Conditions:
HADH-related disorder. Also called: HADH-related condition.

gnomAD v4.1: 16 of 1,196,252 alleles (0.0013%); highest among the groups gnomAD compares: East Asian, 0.0023%; no homozygotes.

Submission:

PreventionGenetics, part of Exact Sciences
Classification: Likely benign for HADH-related condition. Last evaluated: 2020-03-20. Review status: no assertion criteria provided. Collection method: clinical testing. Allele origin: germline.
Comment: This variant is classified as likely benign based on ACMG/AMP sequence variant interpretation guidelines (Richards et al. 2015 PMID: 25741868, with internal and published modifications).

NM_005327.7(HADH):c.709+37A>T

Gene: HADH (hydroxyacyl-CoA dehydrogenase; plus strand). Cytogenetic location: 4q25.
Variant type: single nucleotide variant.
Coding change: c.709+37A>T on transcript NM_005327.7 (MANE Select); 37 bases into the intron after coding-DNA position 709, A replaced by T.
Molecular consequence: intron variant.
Genome position (GRCh38, 1-based): chr4:108,027,797, A>T. VCF-style: chr4-108027797-A-T. GRCh37 (hg19) VCF-style: chr4-108948953-A-T.
Other names: c.709+37A>T (NM_001184705.4); c.721+37A>T (NM_001331027.2).
Identifiers: ClinVar variation 3033981 (VCV003033981.2), dbSNP rs781103715, ClinGen allele CA2671694116.